The following is an entry in ClinVar:

ClinVar aggregate classification (germline): Likely benign. Review status: reviewed by expert panel (3 of 4 stars). 2 submissions from 2 submitters: Likely benign (1). 1 of the submissions does not count toward it. Last evaluated 2025-01-15.

Conditions:
Hereditary thrombocytopenia and hematological cancer predisposition syndrome associated with RUNX1. Also called: Familial Platelet Disorder with Propensity to Acute Myelogenous Leukemia; Familial thrombocytopenia with propensity to acute myelogenous leukemia; PLATELET DISORDER, ASPIRIN-LIKE; RUNX1 Familial Platelet Disorder with Associated Myeloid Malignancies. Identifiers: Orphanet 71290, MedGen C1832388, MeSH C563324, MONDO:0100083, OMIM 601399.
Hereditary thrombocytopenia and hematologic cancer predisposition syndrome. Identifiers: Orphanet 71290, MedGen CN281654, MONDO:0011071.

Allele frequency attached by ClinVar (database versions not stated): ExAC 0.00001; gnomAD 0.00001.
gnomAD v4.1: 1 of 1,610,950 alleles (0.000062%); highest among the groups gnomAD compares: Non-Finnish European, 0.000085%; no homozygotes.

Submissions (2):

ClinGen Myeloid Malignancy Variant Curation Expert Panel
Classification: Likely benign for Hereditary thrombocytopenia and hematologic cancer predisposition syndrome. Last evaluated: 2025-01-15. Review status: reviewed by expert panel. Criteria: ClinGen MyeloMalig ACMG Specifications v2. Collection method: curation. Allele origin: germline. Inheritance: Autosomal dominant inheritance.
Comment: NM_001754.5(RUNX1):c.806-20A>C is an intronic variant which meets criteria for likely benign classification. SpliceAI does not predict any significant splicing impact (Δ scores ≤ 0.20) (BP4). The variant is located at a nucleotide that is not highly conserved, with a PhyloP score of 0.755606 (BP7), and the variant allele matches the reference nucleotide in one primate and/or three mammal species. In summary, this variant meets criteria to be classified as likely benign for hereditary thrombocytopenia and hematologic cancer predisposition syndrome. ACMG/AMP criteria applied, as specified by the ClinGen Myeloid Malignancy VCEP: BP4, BP7.

Labcorp Genetics (formerly Invitae), Labcorp
Classification: Likely benign for Hereditary thrombocytopenia and hematological cancer predisposition syndrome associated with RUNX1. Last evaluated: 2024-05-29. Review status: criteria provided, single submitter. Criteria: Invitae Variant Classification Sherloc (09022015). Collection method: clinical testing. Allele origin: germline. Not counted in ClinVar's aggregate classification.

NM_001754.5(RUNX1):c.806-20A>C

Gene: RUNX1 (RUNX family transcription factor 1; minus strand). Cytogenetic location: 21q22.12.
Variant type: single nucleotide variant.
Coding change: c.806-20A>C on transcript NM_001754.5 (MANE Select); 20 bases into the intron before coding-DNA position 806, A replaced by C.
Molecular consequence: intron variant.
Genome position (GRCh38, 1-based): chr21:34,799,482, T>G on the plus strand (A>C on the coding strand, the complement: RUNX1 is on the minus strand). VCF-style: chr21-34799482-T-G. GRCh37 (hg19) VCF-style: chr21-36171779-T-G.
Other names: c.725-20A>C (NM_001001890.3).
Identifiers: ClinVar variation 2747101 (VCV002747101.4), dbSNP rs780345994, ClinGen allele CA10014292.
Genomic context (GRCh38, chr21:34,799,482, plus strand): 5'-ATCGTAGGACCACGGTGGGGATGGTTGGATCTGCCTTGTATCTGAAGAGAATCAGAAAGG[T>G]CAATTATATGTAAAGTGGGGTGGGATTTAAAAAATGTCTTTTAATAAGAAATGAGTGGCC-3'